The following is an entry in ClinVar:

ClinVar aggregate classification (germline): Likely benign. Review status: criteria provided, single submitter (1 of 4 stars). 2 submissions from 2 submitters: Likely benign (1). 1 of the submissions does not count toward it. Last evaluated 2026-03-01.

Conditions:
KCNQ1-related disorder. Also called: KCNQ1-related disorders; KCNQ1-related condition. Identifiers: MedGen CN239322.

Allele frequency attached by ClinVar (database versions not stated): 1000 Genomes Project 0.00040; 1000 Genomes Project 30x 0.00062; gnomAD exomes 0.00124.
gnomAD v4.1: 495 of 398,722 alleles (0.12%); highest among the groups gnomAD compares: Admixed American, 0.21%; 3 homozygotes.

Submissions (2):

CeGaT Center for Human Genetics Tuebingen
Classification: Likely benign. Last evaluated: 2026-03-01. Review status: criteria provided, single submitter. Criteria: CeGaT Center For Human Genetics Tuebingen Variant Classification Criteria Version 2. Collection method: clinical testing. Allele origin: germline. Affected: yes. Observed: 15 variant alleles.
Comment: KCNQ1OT1: BS2

PreventionGenetics, part of Exact Sciences
Classification: Likely benign for KCNQ1-related condition. Last evaluated: 2023-07-09. Review status: no assertion criteria provided. Collection method: clinical testing. Allele origin: germline. Not counted in ClinVar's aggregate classification.
Comment: This variant is classified as likely benign based on ACMG/AMP sequence variant interpretation guidelines (Richards et al. 2015 PMID: 25741868, with internal and published modifications).

NM_000218.3(KCNQ1):c.1514+1083C>G

Genes: KCNQ1 (potassium voltage-gated channel subfamily Q member 1; plus strand), KCNQ1OT1 (KCNQ1 opposite strand/antisense transcript 1; minus strand). Cytogenetic location: 11p15.5.
Variant type: single nucleotide variant.
Coding change: c.1514+1083C>G on transcript NM_000218.3 (MANE Select); 1083 bases into the intron after coding-DNA position 1514, C replaced by G.
Molecular consequence: intron variant.
Genome position (GRCh38, 1-based): chr11:2,663,164, C>G. VCF-style: chr11-2663164-C-G. GRCh37 (hg19) VCF-style: chr11-2684394-C-G.
Other names: c.1514+1083C>G (NM_000218.2); c.1244+1083C>G (NM_001406837.1); c.1418+1083C>G (NM_001406836.1); c.974+1083C>G (NM_001406838.1); c.1133+1083C>G (NM_181798.2).
Identifiers: ClinVar variation 1879183 (VCV001879183.30), dbSNP rs536054581, ClinGen allele CA216172286.